The following is an entry in ClinVar:

NM_007294.4(BRCA1):c.3251T>C (p.Leu1084Pro)

Genes: BRCA1 (BRCA1 DNA repair associated; minus strand), LOC126862571 (BRD4-independent group 4 enhancer GRCh37_chr17:41243136-41244335; plus strand). Cytogenetic location: 17q21.31.
Variant type: single nucleotide variant.
Coding change: c.3251T>C on transcript NM_007294.4 (MANE Select); coding-DNA position 3251, T replaced by C.
Protein change: p.Leu1084Pro; replaces leucine 1084 with proline.
Molecular consequence: missense variant. On other transcripts: intron variant (137).
Genome position (GRCh38, 1-based): chr17:43,092,280, A>G on the plus strand (T>C on the coding strand, the complement: BRCA1 is on the minus strand). VCF-style: chr17-43092280-A-G. GRCh37 (hg19) VCF-style: chr17-41244297-A-G.
Other names: c.3251T>C, p.Leu1084Pro (NM_001407583.1, NM_001407585.1, NM_001407581.1 and 30 more transcripts); c.3248T>C, p.Leu1083Pro (NM_001407587.1, NM_001407590.1, NM_001407591.1 and 22 more transcripts); c.3038T>C, p.Leu1013Pro (NM_001407571.1, NM_001407853.1, NM_001407894.1 and 9 more transcripts); c.3242T>C, p.Leu1081Pro (NM_001407646.1, NM_001407647.1); c.3128T>C, p.Leu1043Pro (NM_001407648.1, NM_001407664.1, NM_001407665.1 and 19 more transcripts); c.3125T>C, p.Leu1042Pro (NM_001407649.1, NM_001407670.1, NM_001407671.1 and 11 more transcripts); c.3173T>C, p.Leu1058Pro (NM_001407653.1, NM_001407654.1, NM_001407655.1 and 4 more transcripts); c.3170T>C, p.Leu1057Pro (NM_001407659.1, NM_001407660.1, NM_001407661.1 and 1 more transcripts); and 41 more; short protein forms L1042P, L1057P, L1058P, L788P, L956P, L996P, L1013P, L1014P.
Identifiers: ClinVar variation 2397566 (VCV002397566.5), dbSNP rs2154334611, ClinGen allele CA10595481.
Genomic context (GRCh38, chr17:43,092,280, plus strand): 5'-TTACAATTACTTCCAGGAAGACTTTGTTTATAGACCTCAGGTTGCAAAACCCCTAATCTA[A>G]GCATAGCATTCAATTTTGGCCCTCTGTTTCTACCTAGTTCTGCTTGAATGTTTTCATCAC-3'
Protein context (NP_009225.1, residues 1074-1094): RNRGPKLNAM[Leu1084Pro]RLGVLQPEVY

ClinVar aggregate classification (germline): Conflicting classifications of pathogenicity. Review status: criteria provided, conflicting classifications (1 of 4 stars). 2 submissions from 2 submitters: Uncertain significance (1); Likely benign (1). Last evaluated 2025-06-06.

Conditions:
Hereditary cancer-predisposing syndrome. Also called: Hereditary Cancer Syndrome; Hereditary neoplastic syndrome; Neoplastic Syndromes, Hereditary; Tumor predisposition. Identifiers: Orphanet 140162, MedGen C0027672, MeSH D009386, MONDO:0015356.

Submissions (2):

Ambry Genetics
Classification: Uncertain significance for Hereditary cancer-predisposing syndrome. Last evaluated: 2025-06-06. Review status: criteria provided, single submitter. Criteria: Ambry Variant Classification Scheme 2023. Collection method: clinical testing. Allele origin: germline.
Comment: The p.L1084P variant (also known as c.3251T>C), located in coding exon 9 of the BRCA1 gene, results from a T to C substitution at nucleotide position 3251. The leucine at codon 1084 is replaced by proline, an amino acid with similar properties. This amino acid position is conserved. In addition, the in silico prediction for this alteration is inconclusive. Based on the available evidence, the clinical significance of this variant remains unclear.

University of Washington Department of Laboratory Medicine, University of Washington
Classification: Likely benign for Hereditary cancer-predisposing syndrome. Last evaluated: 2023-03-23. Review status: criteria provided, single submitter. Criteria: Dines et al. (Genet Med. 2020). Collection method: curation. Allele origin: germline.
Comment: Missense variant in a coldspot region where missense variants are very unlikely to be pathogenic (PMID:31911673).

BRCA1 coldspot (exon 11 using historical exon numbering). Reclassification based on statistical prior probability